The following is an entry in ClinVar:

NM_021224.6(ZNF462):c.1782C>T (p.Ala594=)

Gene: ZNF462 (zinc finger protein 462; plus strand). Cytogenetic location: 9q31.2.
Variant type: single nucleotide variant.
Coding change: c.1782C>T on transcript NM_021224.6 (MANE Select); coding-DNA position 1782, C replaced by T.
Protein change: p.Ala594=; no amino-acid change (alanine 594 retained).
Molecular consequence: synonymous variant.
Genome position (GRCh38, 1-based): chr9:106,925,694, C>T. VCF-style: chr9-106925694-C-T. GRCh37 (hg19) VCF-style: chr9-109687975-C-T.
Other names: c.1782C>T, p.Ala594= (NM_001347997.2).
Identifiers: ClinVar variation 2659371 (VCV002659371.24), dbSNP rs763301819, ClinGen allele CA5171395.

ClinVar aggregate classification (germline): Likely benign (1 of 4 stars; one submission).

Allele frequency attached by ClinVar (database versions not stated): gnomAD 0.00001; TOPMed 0.00002; gnomAD exomes 0.00003; ExAC 0.00004.
gnomAD v4.1: 50 of 1,614,024 alleles (0.0031%); highest among the groups gnomAD compares: South Asian, 0.011%; no homozygotes.

Submission:

CeGaT Center for Human Genetics Tuebingen
Classification: Likely benign. Last evaluated: 2022-07-01. Review status: criteria provided, single submitter. Criteria: CeGaT Center For Human Genetics Tuebingen Variant Classification Criteria Version 2. Collection method: clinical testing. Allele origin: germline. Affected: yes. Observed: 1 variant allele.
Comment: ZNF462: BP4, BP7